The following is an entry in ClinVar:

ClinVar aggregate classification (germline): Uncertain significance (1 of 4 stars; one submission).

gnomAD v4.1: 2 of 1,613,756 alleles (0.00012%); highest among the groups gnomAD compares: Non-Finnish European, 0.00017%; no homozygotes.

Submission:

Women's Health and Genetics/Laboratory Corporation of America, LabCorp
Classification: Uncertain significance. Last evaluated: 2023-11-30. Review status: criteria provided, single submitter. Criteria: LabCorp Variant Classification Summary - May 2015. Collection method: clinical testing. Allele origin: germline.
Comment: Variant summary: F11 c.1305-10T>A alters a conserved nucleotide located at a position not widely known to affect splicing. Several computational tools predict a significant impact on normal splicing: Two predict the variant abolishes a 3' acceptor site. One predict the variant weakens a 3' acceptor site. Four predict the variant creates a 3' acceptor site. However, these predictions have yet to be confirmed by functional studies. The variant was absent in 251238 control chromosomes. c.1305-10T>A has been reported in the literature in individuals affected with Hereditary factor XI deficiency disease (Ventura_2000). These data indicate that the variant may be associated with disease. To our knowledge, no experimental evidence demonstrating an impact on protein function has been reported. The following publication have been ascertained in the context of this evaluation (PMID: 11127865). No submitters have cited clinical-significance assessments for this variant to ClinVar after 2014. Based on the evidence outlined above, the variant was classified as VUS-possibly pathogenic.

Literature cited by the submitters: PubMed 11127865.

NM_000128.4(F11):c.1305-10T>A

Gene: F11 (coagulation factor XI; plus strand). Cytogenetic location: 4q35.2.
Variant type: single nucleotide variant.
Coding change: c.1305-10T>A on transcript NM_000128.4 (MANE Select); 10 bases into the intron before coding-DNA position 1305, T replaced by A.
Molecular consequence: intron variant.
Genome position (GRCh38, 1-based): chr4:186,285,628, T>A. VCF-style: chr4-186285628-T-A. GRCh37 (hg19) VCF-style: chr4-187206782-T-A.
Identifiers: ClinVar variation 2682299 (VCV002682299.1), dbSNP rs1233980263, ClinGen allele CA792315149.